The following is an entry in ClinVar:

NM_000057.4(BLM):c.1360A>T (p.Asn454Tyr)

Gene: BLM (BLM RecQ like helicase; plus strand). Cytogenetic location: 15q26.1.
Variant type: single nucleotide variant.
Coding change: c.1360A>T on transcript NM_000057.4 (MANE Select); coding-DNA position 1360, A replaced by T.
Protein change: p.Asn454Tyr; replaces asparagine 454 with tyrosine.
Molecular consequence: missense variant.
Genome position (GRCh38, 1-based): chr15:90,760,733, A>T. VCF-style: chr15-90760733-A-T. GRCh37 (hg19) VCF-style: chr15-91303963-A-T.
Other names: c.1360A>T, p.Asn454Tyr (NM_001287246.2, NM_001287247.2); c.235A>T, p.Asn79Tyr (NM_001287248.2); short protein forms N454Y, N79Y.
Identifiers: ClinVar variation 4744977 (VCV004744977.1).
Genomic context (GRCh38, chr15:90,760,733, plus strand): 5'-TCACTTGATGGCCCTATGGAGGGTGATTCCTGCCCTACAGGGAATTCTATGAAGGAGTTA[A>T]ATTTTTCACACCTTCCCTCAAATTCTGTTTCTCCTGGGGACTGTTTACTGACTACCACCC-3'
Protein context (NP_000048.1, residues 444-464): CPTGNSMKEL[Asn454Tyr]FSHLPSNSVS

ClinVar aggregate classification (germline): Uncertain significance (1 of 4 stars; one submission).

Conditions:
Bloom syndrome (BLM). Also called: Bloom-Torre-Machacek syndrome. Identifiers: Orphanet 125, MedGen C0005859, MONDO:0008876, OMIM 210900.

Submission:

Labcorp Genetics (formerly Invitae), Labcorp
Classification: Uncertain significance for Bloom syndrome. Last evaluated: 2025-02-17. Review status: criteria provided, single submitter. Criteria: Invitae Variant Classification Sherloc (09022015). Collection method: clinical testing. Allele origin: germline.
Comment: This sequence change replaces asparagine, which is neutral and polar, with tyrosine, which is neutral and polar, at codon 454 of the BLM protein (p.Asn454Tyr). This variant is not present in population databases (gnomAD no frequency). This variant has not been reported in the literature in individuals affected with BLM-related conditions. Invitae Evidence Modeling of protein sequence and biophysical properties (such as structural, functional, and spatial information, amino acid conservation, physicochemical variation, residue mobility, and thermodynamic stability) indicates that this missense variant is not expected to disrupt BLM protein function with a negative predictive value of 80%. In summary, the available evidence is currently insufficient to determine the role of this variant in disease. Therefore, it has been classified as a Variant of Uncertain Significance.